The following is an entry in ClinVar:

ClinVar aggregate classification (germline): Pathogenic/Likely pathogenic. Review status: criteria provided, multiple submitters, no conflicts (2 of 4 stars). 3 submissions from 3 submitters: Pathogenic (1); Likely pathogenic (2). Last evaluated 2025-06-13.

Conditions:
Inborn genetic diseases. Identifiers: MedGen C0950123, MeSH D030342.
Torsion dystonia 6 (DYT6). Also called: DYT-THAP1. Identifiers: Orphanet 98806, MedGen C1414216, MONDO:0011264, OMIM 602629.

Submissions (3):

Ambry Genetics
Classification: Pathogenic for Inborn genetic diseases. Last evaluated: 2025-06-13. Review status: criteria provided, single submitter. Criteria: Ambry Variant Classification Scheme 2023. Collection method: clinical testing. Allele origin: germline.
Comment: The c.86G>C (p.R29P) alteration is located in exon 2 (coding exon 2) of the THAP1 gene. This alteration results from a G to C substitution at nucleotide position 86, causing the arginine (R) at amino acid position 29 to be replaced by a proline (P). This variant was not reported in population-based cohorts in the Genome Aggregation Database (gnomAD). This variant was reported in individuals with features consistent with THAP1-related torsion dystonia; in at least one individual, it was determined to be de novo (Bressman, 2009; Oterdoom, 2018; Agarwal, 2023; external communication). Another variant at the same codon, c.86G>A (p.R29Q), has been identified in individuals with features consistent with THAP1-related torsion dystonia (Pais&aacute;n-Ruiz, 2009; LeDoux, 2012; Paudel, 2016). This amino acid position is highly conserved in available vertebrate species. Based on internal structural analysis, this variant is anticipated to disrupt DNA binding in the THAP domain (Bessi&egrave;re, 2008; Campagne, 2010; Campagne, 2012) This alteration is predicted to be deleterious by in silico analysis. Based on the available evidence, this alteration is classified as pathogenic.

Fulgent Genetics
Classification: Likely pathogenic for Torsion dystonia 6. Last evaluated: 2022-05-02. Review status: criteria provided, single submitter. Criteria: ACMG Guidelines, 2015. Collection method: clinical testing. Allele origin: unknown.

Labcorp Genetics (formerly Invitae), Labcorp
Classification: Likely pathogenic for Torsion dystonia 6. Last evaluated: 2019-10-18. Review status: criteria provided, single submitter. Criteria: Invitae Variant Classification Sherloc (09022015). Collection method: clinical testing. Allele origin: germline.
Comment: In summary, the currently available evidence indicates that the variant is pathogenic, but additional data are needed to prove that conclusively. Therefore, this variant has been classified as Likely Pathogenic. This variant disrupts the p.Arg29 amino acid residue in THAP1. Other variant(s) that disrupt this residue have been determined to be pathogenic (PMID: 19908320, 22844099, 25088175, 26610312). This suggests that this residue is clinically significant, and that variants that disrupt this residue are likely to be disease-causing. Algorithms developed to predict the effect of missense changes on protein structure and function are either unavailable or do not agree on the potential impact of this missense change (SIFT: "Tolerated"; PolyPhen-2: "Probably Damaging"; Align-GVGD: "Class C0"). This variant has been observed in several individuals affected with dystonia (PMID: 19345147, 29520331, Invitae). This variant is not present in population databases (ExAC no frequency). This sequence change replaces arginine with proline at codon 29 of the THAP1 protein (p.Arg29Pro). The arginine residue is highly conserved and there is a moderate physicochemical difference between arginine and proline.

Literature cited by the submitters: PubMed 18073205 (cited by Ambry Genetics); PubMed 19345147 (cited by Ambry Genetics and Labcorp Genetics (formerly Invitae), Labcorp); PubMed 19908320 (cited by Ambry Genetics and Labcorp Genetics (formerly Invitae), Labcorp); PubMed 20144952 (cited by Ambry Genetics); PubMed 22377579 (cited by Ambry Genetics); PubMed 22844099 (cited by Ambry Genetics and Labcorp Genetics (formerly Invitae), Labcorp); PubMed 26610312 (cited by Ambry Genetics and Labcorp Genetics (formerly Invitae), Labcorp); PubMed 29520331 (cited by Ambry Genetics and Labcorp Genetics (formerly Invitae), Labcorp); PubMed 38094642 (cited by Ambry Genetics); PubMed 25088175 (cited by Labcorp Genetics (formerly Invitae), Labcorp).

NM_018105.3(THAP1):c.86G>C (p.Arg29Pro)

Gene: THAP1 (THAP domain containing 1; minus strand). Cytogenetic location: 8p11.21.
Variant type: single nucleotide variant.
Coding change: c.86G>C on transcript NM_018105.3 (MANE Select); coding-DNA position 86, G replaced by C.
Protein change: p.Arg29Pro; replaces arginine 29 with proline.
Molecular consequence: missense variant. On other transcripts: intron variant (1).
Genome position (GRCh38, 1-based): chr8:42,839,367, C>G on the plus strand (G>C on the coding strand, the complement: THAP1 is on the minus strand). VCF-style: chr8-42839367-C-G. GRCh37 (hg19) VCF-style: chr8-42694510-C-G.
Other names: c.72-1031G>C (NM_199003.2); short protein forms R29P.
Identifiers: ClinVar variation 964891 (VCV000964891.8), dbSNP rs767952378, ClinGen allele CA371108272.